The following is an entry in ClinVar:

NM_017514.5(PLXNA3):c.3712G>A (p.Val1238Met)

Gene: PLXNA3 (plexin A3; plus strand). Cytogenetic location: Xq28.
Variant type: single nucleotide variant.
Coding change: c.3712G>A on transcript NM_017514.5 (MANE Select); coding-DNA position 3712, G replaced by A.
Protein change: p.Val1238Met; replaces valine 1238 with methionine.
Molecular consequence: missense variant.
Genome position (GRCh38, 1-based): chrX:154,467,893, G>A. VCF-style: chrX-154467893-G-A. GRCh37 (hg19) VCF-style: chrX-153696236-G-A.
Other names: short protein forms V1238M.
Identifiers: ClinVar variation 3034222 (VCV003034222.2), dbSNP rs200880623, ClinGen allele CA10564704.

ClinVar aggregate classification (germline): Likely benign (0 of 4 stars; one submission).

Conditions:
PLXNA3-related disorder. Also called: PLXNA3-related condition.

Allele frequency attached by ClinVar (database versions not stated): ESP Exome Variant Server 0.00009; gnomAD 0.00021; 1000 Genomes Project 0.00079; 1000 Genomes Project 30x 0.00125.
gnomAD v4.1: 478 of 1,208,108 alleles (0.04%); highest among the groups gnomAD compares: South Asian, 0.42%; 2 homozygotes.

Submission:

PreventionGenetics, part of Exact Sciences
Classification: Likely benign for PLXNA3-related condition. Last evaluated: 2019-10-31. Review status: no assertion criteria provided. Collection method: clinical testing. Allele origin: germline.
Comment: This variant is classified as likely benign based on ACMG/AMP sequence variant interpretation guidelines (Richards et al. 2015 PMID: 25741868, with internal and published modifications).